The following is an entry in ClinVar:

ClinVar aggregate classification (germline): Benign (1 of 4 stars; one submission).

Conditions:
Landau-Kleffner syndrome (FESD). Also called: EPILEPSY, FOCAL, WITH SPEECH DISORDER AND WITH OR WITHOUT MENTAL RETARDATION; APHASIA, ACQUIRED, WITH EPILEPSY. Identifiers: Orphanet 1945, Orphanet 725, Orphanet 98818, MedGen C0282512, MONDO:0009509, OMIM 245570.

Allele frequency attached by ClinVar (database versions not stated): TOPMed 0.00009; 1000 Genomes Project 30x 0.00031; gnomAD 0.00010 and 0.00008; 1000 Genomes Project 0.00040.

Submission:

Illumina Laboratory Services, Illumina
Classification: Benign for Landau-Kleffner syndrome. Last evaluated: 2018-01-13. Review status: criteria provided, single submitter. Criteria: ICSL Variant Classification Criteria 13 December 2019. Collection method: clinical testing. Allele origin: germline.
Comment: This variant was observed in the ICSL laboratory as part of a predisposition screen in an ostensibly healthy population. It had not been previously curated by ICSL or reported in the Human Gene Mutation Database (HGMD: prior to June 1st, 2018), and was therefore a candidate for classification through an automated scoring system. Utilizing variant allele frequency, disease prevalence and penetrance estimates, and inheritance mode, an automated score was calculated to assess if this variant is too frequent to cause the disease. Based on the score and internal cut-off values, a variant classified as benign is not then subjected to further curation. The score for this variant resulted in a classification of benign for this disease.

NM_001134407.3(GRIN2A):c.*6449G>T

Gene: GRIN2A (glutamate ionotropic receptor NMDA type subunit 2A; minus strand). Cytogenetic location: 16p13.2.
Variant type: single nucleotide variant.
Coding change: c.*6449G>T on transcript NM_001134407.3 (MANE Select); 6449 bases downstream of the stop codon, G replaced by T.
Molecular consequence: 3 prime UTR variant.
Genome position (GRCh38, 1-based): chr16:9,756,700, C>A on the plus strand (G>T on the coding strand, the complement: GRIN2A is on the minus strand). VCF-style: chr16-9756700-C-A. GRCh37 (hg19) VCF-style: chr16-9850557-C-A.
Other names: c.*6449G>T (NM_000833.5); c.*6655G>T (NM_001134408.2).
Identifiers: ClinVar variation 321509 (VCV000321509.5), dbSNP rs140145510, ClinGen allele CA10638734.